The following is an entry in ClinVar:

ClinVar aggregate classification (germline): Likely pathogenic. Review status: criteria provided, multiple submitters, no conflicts (2 of 4 stars). 2 submissions from 2 submitters: Likely pathogenic (2). Last evaluated 2023-07-18.

Allele frequency attached by ClinVar (database versions not stated): gnomAD exomes below 0.00001; gnomAD 0.00001; 1000 Genomes Project 30x 0.00016; 1000 Genomes Project 0.00020.

Submissions (2):

Labcorp Genetics (formerly Invitae), Labcorp
Classification: Likely pathogenic. Last evaluated: 2023-07-18. Review status: criteria provided, single submitter. Criteria: Invitae Variant Classification Sherloc (09022015). Collection method: clinical testing. Allele origin: germline.
Comment: In summary, the currently available evidence indicates that the variant is pathogenic, but additional data are needed to prove that conclusively. Therefore, this variant has been classified as Likely Pathogenic for autosomal recessive fumarate hydratase deficiency. However, this variant is not likely to confer risk for autosomal dominant hereditary leiomyomatosis and renal cell cancer. This variant disrupts the mitochondria-targeting sequence (MTS) of the FH protein, which is important for protein import into the mitochondria (PMID: 27037871). This suggests that disruption of this region is causative of fumarate hydratase deficiency. ClinVar contains an entry for this variant (Variation ID: 1067616). This variant has not been reported in the literature in individuals affected with FH-related conditions. This variant is not present in population databases (gnomAD no frequency). This sequence change affects the initiator methionine of the FH mRNA. The next in-frame methionine is located at codon 44. FH has two initiator codons, p.Met1 and p.Met44, which result in two different functional isoforms that localize to the mitochondria and cytosol, respectively (PMID: 21929734, 27037871). Loss-of-function variants in FH are known to be pathogenic (PMID: 11865300, 21398687). Variants affecting the mitochondrial isoform confer risk for fumarate hydratase deficiency, while variants that affect the cytosolic isoform confer risk for hereditary leiomyomatosis and renal cell cancer.

CeGaT Center for Human Genetics Tuebingen
Classification: Likely pathogenic. Last evaluated: 2022-10-01. Review status: criteria provided, single submitter. Criteria: CeGaT Center For Human Genetics Tuebingen Variant Classification Criteria Version 2. Collection method: clinical testing. Allele origin: germline. Affected: yes. Observed: 3 variant alleles.
Comment: FH: PM1, PM2, PS4:Moderate

Literature cited by the submitters: PubMed 27037871 (cited by Labcorp Genetics (formerly Invitae), Labcorp); PubMed 21929734 (cited by Labcorp Genetics (formerly Invitae), Labcorp); PubMed 11865300 (cited by Labcorp Genetics (formerly Invitae), Labcorp); PubMed 21398687 (cited by Labcorp Genetics (formerly Invitae), Labcorp).

NM_000143.4(FH):c.3G>A (p.Met1Ile)

Gene: FH (fumarate hydratase; minus strand). Cytogenetic location: 1q43.
Variant type: single nucleotide variant.
Coding change: c.3G>A on transcript NM_000143.4 (MANE Select); coding-DNA position 3, G replaced by A.
Protein change: p.Met1Ile; changes the start codon (methionine 1).
Molecular consequence: missense variant, initiator codon variant.
Genome position (GRCh38, 1-based): chr1:241,519,720, C>T on the plus strand (G>A on the coding strand, the complement: FH is on the minus strand). VCF-style: chr1-241519720-C-T. GRCh37 (hg19) VCF-style: chr1-241683020-C-T.
Other names: short protein forms M1I.
Identifiers: ClinVar variation 1067616 (VCV001067616.37), dbSNP rs564147469, ClinGen allele CA40338150.